The following is an entry in ClinVar:

NM_001195263.2(PDZD7):c.2033C>T (p.Pro678Leu)

Gene: PDZD7 (PDZ domain containing 7; minus strand). Cytogenetic location: 10q24.31.
Variant type: single nucleotide variant.
Coding change: c.2033C>T on transcript NM_001195263.2 (MANE Select); coding-DNA position 2033, C replaced by T.
Protein change: p.Pro678Leu; replaces proline 678 with leucine.
Molecular consequence: missense variant.
Genome position (GRCh38, 1-based): chr10:101,010,856, G>A on the plus strand (C>T on the coding strand, the complement: PDZD7 is on the minus strand). VCF-style: chr10-101010856-G-A. GRCh37 (hg19) VCF-style: chr10-102770613-G-A.
Other names: short protein forms P678L.
Identifiers: ClinVar variation 1065071 (VCV001065071.3), dbSNP rs1170141042, ClinGen allele CA378225450.

ClinVar aggregate classification (germline): Uncertain significance (1 of 4 stars; one submission).

Conditions:
Hearing impairment. Also called: Impaired Hearing. Identifiers: MedGen C1384666, MONDO:0005365, HP:0000365.

Submission:

Department of Otolaryngology – Head & Neck Surgery, Cochlear Implant Center
Classification: Uncertain significance for Hearing impairment. Last evaluated: 2021-04-12. Review status: criteria provided, single submitter. Criteria: ClinGen HL ACMG Specifications v1. Collection method: clinical testing. Allele origin: germline. Affected: yes.
Comment: PM2_Moderate, BP4_Supporting